The following is an entry in ClinVar:

ClinVar aggregate classification (germline): Uncertain significance (1 of 4 stars; one submission).

Submission:

Labcorp Genetics (formerly Invitae), Labcorp
Classification: Uncertain significance. Last evaluated: 2025-07-20. Review status: criteria provided, single submitter. Criteria: Invitae Variant Classification Sherloc (09022015). Collection method: clinical testing. Allele origin: germline.
Comment: This sequence change replaces glutamic acid, which is acidic and polar, with glutamine, which is neutral and polar, at codon 205 of the FSCN2 protein (p.Glu205Gln). This variant is not present in population databases (gnomAD no frequency). This variant has not been reported in the literature in individuals affected with FSCN2-related conditions. An algorithm developed to predict the effect of missense changes on protein structure and function (PolyPhen-2) suggests that this variant is likely to be disruptive. In summary, the available evidence is currently insufficient to determine the role of this variant in disease. Therefore, it has been classified as a Variant of Uncertain Significance.

NM_012418.4(FSCN2):c.613G>C (p.Glu205Gln)

Gene: FSCN2 (fascin actin-bundling protein 2, retinal; plus strand). Cytogenetic location: 17q25.3.
Variant type: single nucleotide variant.
Coding change: c.613G>C on transcript NM_012418.4 (MANE Select); coding-DNA position 613, G replaced by C.
Protein change: p.Glu205Gln; replaces glutamic acid 205 with glutamine.
Molecular consequence: missense variant.
Genome position (GRCh38, 1-based): chr17:81,529,144, G>C. VCF-style: chr17-81529144-G-C. GRCh37 (hg19) VCF-style: chr17-79496170-G-C.
Other names: c.613G>C, p.Glu205Gln (NM_001077182.3); short protein forms E205Q.
Identifiers: ClinVar variation 4765436 (VCV004765436.1).